The following is an entry in ClinVar:

NM_003268.6(TLR5):c.1760_1763dup (p.Ser588_Thr589insTer)

Gene: TLR5 (toll like receptor 5; minus strand). Cytogenetic location: 1q41.
Variant type: Duplication.
Coding change: c.1760_1763dup on transcript NM_003268.6 (MANE Select); coding-DNA positions 1760 to 1763, 4 bases duplicated (TTAG; older notation c.1760_1763dupTTAG).
Protein change: p.Ser588_Thr589insTer.
Molecular consequence: nonsense, inframe insertion.
Genome position (GRCh38, 1-based): chr1:223,111,269-223,111,272, CTAA duplicated on the plus strand (TTAG on the coding strand, the reverse complement: TLR5 is on the minus strand). VCF-style (leftmost placement, unchanged base first): chr1-223111268-G-GCTAA. GRCh37 (hg19) VCF-style: chr1-223284610-G-GCTAA.
Other names: c.1760_1763dup, p.Ser588_Thr589insTer (NM_001437539.1, NM_001437624.1, NM_001437650.1 and 1 more transcripts).
Identifiers: ClinVar variation 4884068 (VCV004884068.2).

ClinVar aggregate classification (germline): Uncertain significance (1 of 4 stars; one submission).

Submission:

Dasa
Classification: Uncertain significance. Last evaluated: 2025-11-21. Review status: criteria provided, single submitter. Criteria: DASA Assertion Criteria. Collection method: clinical testing. Allele origin: germline.
Comment: NM_003268.6(TLR5):c.1760_1763dup (p.Thr589*) is a frameshift variant in TLR5 predicted to alter the reading frame and introduce a premature termination codon. This variant is rare in population databases. The currently available literature and clinical evidence are not sufficient to establish a definitive association between this variant and the reported condition. Therefore, this variant is classified as a variant of uncertain significance.